The following is an entry in ClinVar:

NM_152703.5(SAMD9L):c.1385G>T (p.Ser462Ile)

Gene: SAMD9L (sterile alpha motif domain containing 9 like; minus strand). Cytogenetic location: 7q21.2.
Variant type: single nucleotide variant.
Coding change: c.1385G>T on transcript NM_152703.5 (MANE Select); coding-DNA position 1385, G replaced by T.
Protein change: p.Ser462Ile; replaces serine 462 with isoleucine.
Molecular consequence: missense variant.
Genome position (GRCh38, 1-based): chr7:93,134,587, C>A on the plus strand (G>T on the coding strand, the complement: SAMD9L is on the minus strand). VCF-style: chr7-93134587-C-A. GRCh37 (hg19) VCF-style: chr7-92763900-C-A.
Other names: c.1385G>T, p.Ser462Ile (NM_001303496.3, NM_001303497.3, NM_001303498.3 and 5 more transcripts); short protein forms S462I.
Identifiers: ClinVar variation 4630055 (VCV004630055.1).

ClinVar aggregate classification (germline): Uncertain significance (1 of 4 stars; one submission).

Conditions:
Inborn genetic diseases. Identifiers: MedGen C0950123, MeSH D030342.

gnomAD v4.1: 3 of 1,613,994 alleles (0.00019%); highest among the groups gnomAD compares: Non-Finnish European, 0.00025%; no homozygotes.

Submission:

Ambry Genetics
Classification: Uncertain significance for Inborn genetic diseases. Last evaluated: 2025-10-15. Review status: criteria provided, single submitter. Criteria: Ambry Variant Classification Scheme 2023. Collection method: clinical testing. Allele origin: germline.
Comment: The p.S462I variant (also known as c.1385G>T), located in coding exon 1 of the SAMD9L gene, results from a G to T substitution at nucleotide position 1385. The serine at codon 462 is replaced by isoleucine, an amino acid with dissimilar properties. This amino acid position is conserved. In addition, this alteration is predicted to be tolerated by in silico analysis. Based on the available evidence, the clinical significance of this variant remains unclear.